The following is an entry in ClinVar:

ClinVar aggregate classification (germline): Conflicting classifications of pathogenicity. Review status: criteria provided, conflicting classifications (1 of 4 stars). 2 submissions from 2 submitters: Uncertain significance (1); Likely benign (1). Last evaluated 2025-03-21.

Conditions:
Hereditary cancer-predisposing syndrome. Also called: Neoplastic Syndromes, Hereditary; Hereditary neoplastic syndrome; Tumor predisposition; Hereditary Cancer Syndrome. Identifiers: Orphanet 140162, MedGen C0027672, MeSH D009386, MONDO:0015356.

Allele frequency attached by ClinVar (database versions not stated): gnomAD exomes below 0.00001; TOPMed below 0.00001; ExAC 0.00001; gnomAD 0.00001.

Submissions (2):

Ambry Genetics
Classification: Likely benign for Hereditary cancer-predisposing syndrome. Last evaluated: 2025-03-21. Review status: criteria provided, single submitter. Criteria: Ambry Variant Classification Scheme 2023. Collection method: clinical testing. Allele origin: germline.

Labcorp Genetics (formerly Invitae), Labcorp
Classification: Uncertain significance. Last evaluated: 2024-05-15. Review status: criteria provided, single submitter. Criteria: Invitae Variant Classification Sherloc (09022015). Collection method: clinical testing. Allele origin: germline.
Comment: This sequence change replaces asparagine, which is neutral and polar, with aspartic acid, which is acidic and polar, at codon 1396 of the POLE protein (p.Asn1396Asp). This variant is present in population databases (rs755483803, gnomAD 0.0009%). This variant has not been reported in the literature in individuals affected with POLE-related conditions. Advanced modeling of protein sequence and biophysical properties (such as structural, functional, and spatial information, amino acid conservation, physicochemical variation, residue mobility, and thermodynamic stability) performed at Invitae indicates that this missense variant is expected to disrupt POLE protein function with a positive predictive value of 80%. In summary, the available evidence is currently insufficient to determine the role of this variant in disease. Therefore, it has been classified as a Variant of Uncertain Significance.

NM_006231.4(POLE):c.4186A>G (p.Asn1396Asp)

Gene: POLE (DNA polymerase epsilon, catalytic subunit; minus strand). Cytogenetic location: 12q24.33.
Variant type: single nucleotide variant.
Coding change: c.4186A>G on transcript NM_006231.4 (MANE Select); coding-DNA position 4186, A replaced by G.
Protein change: p.Asn1396Asp; replaces asparagine 1396 with aspartic acid.
Molecular consequence: missense variant.
Genome position (GRCh38, 1-based): chr12:132,643,941, T>C on the plus strand (A>G on the coding strand, the complement: POLE is on the minus strand). VCF-style: chr12-132643941-T-C. GRCh37 (hg19) VCF-style: chr12-133220527-T-C.
Other names: c.4186A>G (NM_006231.2); short protein forms N1396D.
Identifiers: ClinVar variation 2891296 (VCV002891296.4), dbSNP rs755483803, ClinGen allele CA6892949.